The following is an entry in ClinVar:

ClinVar aggregate classification (germline): Uncertain significance (1 of 4 stars; one submission).

Submission:

GeneDx
Classification: Uncertain significance. Last evaluated: 2023-01-19. Review status: criteria provided, single submitter. Criteria: GeneDx Variant Classification Process June 2021. Collection method: clinical testing. Allele origin: germline.
Comment: Not observed at significant frequency in large population cohorts (gnomAD); In silico analysis supports that this missense variant has a deleterious effect on protein structure/function; Has not been previously published as pathogenic or benign to our knowledge

NM_000257.4(MYH7):c.3022G>C (p.Asp1008His)

Gene: MYH7 (myosin heavy chain 7; minus strand). Cytogenetic location: 14q11.2.
Variant type: single nucleotide variant.
Coding change: c.3022G>C on transcript NM_000257.4 (MANE Select); coding-DNA position 3022, G replaced by C.
Protein change: p.Asp1008His; replaces aspartic acid 1008 with histidine.
Molecular consequence: missense variant.
Genome position (GRCh38, 1-based): chr14:23,423,624, C>G on the plus strand (G>C on the coding strand, the complement: MYH7 is on the minus strand). VCF-style: chr14-23423624-C-G. GRCh37 (hg19) VCF-style: chr14-23892833-C-G.
Other names: c.3022G>C, p.Asp1008His (NM_001407004.1); short protein forms D1008H.
Identifiers: ClinVar variation 1810719 (VCV001810719.2), dbSNP rs2502277886, ClinGen allele CA389045873.